The following is an entry in ClinVar:

NM_001042681.2(RERE):c.3143C>T (p.Thr1048Ile)

Gene: RERE (arginine-glutamic acid dipeptide repeats; minus strand). Cytogenetic location: 1p36.23.
Variant type: single nucleotide variant.
Coding change: c.3143C>T on transcript NM_001042681.2 (MANE Select); coding-DNA position 3143, C replaced by T.
Protein change: p.Thr1048Ile; replaces threonine 1048 with isoleucine.
Molecular consequence: missense variant.
Genome position (GRCh38, 1-based): chr1:8,360,364, G>A on the plus strand (C>T on the coding strand, the complement: RERE is on the minus strand). VCF-style: chr1-8360364-G-A. GRCh37 (hg19) VCF-style: chr1-8420424-G-A.
Other names: c.1481C>T, p.Thr494Ile (NM_001042682.2); c.3143C>T, p.Thr1048Ile (NM_012102.4); short protein forms T1048I, T494I.
Identifiers: ClinVar variation 3031280 (VCV003031280.3), dbSNP rs1453239884, ClinGen allele CA338171175.

ClinVar aggregate classification (germline): Uncertain significance. Review status: criteria provided, single submitter (1 of 4 stars). 2 submissions from 2 submitters: Uncertain significance (1). 1 of the submissions does not count toward it. Last evaluated 2024-02-12.

Conditions:
RERE-related disorder. Also called: RERE-Related Disorders; RERE-related condition. Identifiers: MedGen CN381537.
Inborn genetic diseases. Identifiers: MedGen C0950123, MeSH D030342.

Allele frequency attached by ClinVar (database versions not stated): gnomAD exomes below 0.00001; gnomAD 0.00001.

Submissions (2):

Ambry Genetics
Classification: Uncertain significance for Inborn genetic diseases. Last evaluated: 2024-02-12. Review status: criteria provided, single submitter. Criteria: Ambry Variant Classification Scheme 2023. Collection method: clinical testing. Allele origin: germline.

PreventionGenetics, part of Exact Sciences
Classification: Uncertain significance for RERE-related condition. Last evaluated: 2023-10-25. Review status: no assertion criteria provided. Collection method: clinical testing. Allele origin: germline. Not counted in ClinVar's aggregate classification.
Comment: The RERE c.3143C>T variant is predicted to result in the amino acid substitution p.Thr1048Ile. To our knowledge, this variant has not been reported in the literature or in a large population database, indicating this variant is rare. At this time, the clinical significance of this variant is uncertain due to the absence of conclusive functional and genetic evidence.